The following is an entry in ClinVar:

ClinVar aggregate classification (germline): Uncertain significance (1 of 4 stars; one submission).

Conditions:
Combined immunodeficiency due to CTPS1 deficiency. Also called: Immunodeficiency 24; Severe combined immunodeficiency due to CTPS1 deficiency. Identifiers: Orphanet 420573, MedGen C4014617, MONDO:0014391, OMIM 615897.

Submission:

Labcorp Genetics (formerly Invitae), Labcorp
Classification: Uncertain significance for Combined immunodeficiency due to CTPS1 deficiency. Last evaluated: 2022-07-06. Review status: criteria provided, single submitter. Criteria: Invitae Variant Classification Sherloc (09022015). Collection method: clinical testing. Allele origin: germline.
Comment: This sequence change replaces arginine, which is basic and polar, with proline, which is neutral and non-polar, at codon 389 of the CTPS1 protein (p.Arg389Pro). This variant is not present in population databases (gnomAD no frequency). This variant has not been reported in the literature in individuals affected with CTPS1-related conditions. ClinVar contains an entry for this variant (Variation ID: 1003254). Algorithms developed to predict the effect of missense changes on protein structure and function are either unavailable or do not agree on the potential impact of this missense change (SIFT: "Deleterious"; PolyPhen-2: "Probably Damaging"; Align-GVGD: "Class C0"). In summary, the available evidence is currently insufficient to determine the role of this variant in disease. Therefore, it has been classified as a Variant of Uncertain Significance.

NM_001905.4(CTPS1):c.1166G>C (p.Arg389Pro)

Gene: CTPS1 (CTP synthase 1; plus strand). Cytogenetic location: 1p34.2.
Variant type: single nucleotide variant.
Coding change: c.1166G>C on transcript NM_001905.4 (MANE Select); coding-DNA position 1166, G replaced by C.
Protein change: p.Arg389Pro; replaces arginine 389 with proline.
Molecular consequence: missense variant. On other transcripts: non-coding transcript variant (1).
Genome position (GRCh38, 1-based): chr1:41,002,231, G>C. VCF-style: chr1-41002231-G-C. GRCh37 (hg19) VCF-style: chr1-41467903-G-C.
Other names: c.698G>C, p.Arg233Pro (NM_001301237.2); short protein forms R233P, R389P.
Identifiers: ClinVar variation 1003254 (VCV001003254.6), dbSNP rs139001308, ClinGen allele CA339905519.